The following is an entry in ClinVar:

NM_001388492.1(HTT):c.3718C>T (p.His1240Tyr)

Gene: HTT (huntingtin; plus strand). Cytogenetic location: 4p16.3.
Variant type: single nucleotide variant.
Coding change: c.3718C>T on transcript NM_001388492.1 (MANE Select); coding-DNA position 3718, C replaced by T.
Protein change: p.His1240Tyr; replaces histidine 1240 with tyrosine.
Molecular consequence: missense variant.
Genome position (GRCh38, 1-based): chr4:3,157,164, C>T. VCF-style: chr4-3157164-C-T. GRCh37 (hg19) VCF-style: chr4-3158891-C-T.
Other names: c.3724C>T, p.His1242Tyr (NM_002111.8); short protein forms H1240Y, H1242Y.
Identifiers: ClinVar variation 1363813 (VCV001363813.6), dbSNP rs989500147, ClinGen allele CA91455090.

ClinVar aggregate classification (germline): Uncertain significance (1 of 4 stars; one submission).

Allele frequency attached by ClinVar (database versions not stated): TOPMed below 0.00001; gnomAD 0.00001.
gnomAD v4.1: 1 of 1,613,616 alleles (0.000062%); highest among the groups gnomAD compares: Non-Finnish European, 0.000085%; no homozygotes.

Submission:

Labcorp Genetics (formerly Invitae), Labcorp
Classification: Uncertain significance. Last evaluated: 2021-03-13. Review status: criteria provided, single submitter. Criteria: Invitae Variant Classification Sherloc (09022015). Collection method: clinical testing. Allele origin: germline.
Comment: In summary, the available evidence is currently insufficient to determine the role of this variant in disease. Therefore, it has been classified as a Variant of Uncertain Significance. Experimental studies and prediction algorithms are not available or were not evaluated, and the functional significance of this variant is currently unknown. This variant has not been reported in the literature in individuals with HTT-related conditions. This variant is not present in population databases (ExAC no frequency). This sequence change replaces histidine with tyrosine at codon 1242 of the HTT protein (p.His1242Tyr). The histidine residue is weakly conserved and there is a moderate physicochemical difference between histidine and tyrosine.